The following is an entry in ClinVar:

ClinVar aggregate classification (germline): Uncertain significance. Review status: criteria provided, single submitter (1 of 4 stars). 2 submissions from 1 submitter: Uncertain significance (1). 1 of the submissions does not count toward it. Last evaluated 2024-03-17.

Conditions:
Infantile nephronophthisis (NPHP2). Also called: Nephronophthisis 2, infantile; Nephronophthisis 2. Identifiers: Orphanet 655, Orphanet 93591, MedGen C1865872, MONDO:0011190, OMIM 602088.

Submissions (2):

Genomic Medicine Center of Excellence, King Faisal Specialist Hospital and Research Centre
Classification: Uncertain significance for Infantile nephronophthisis. Last evaluated: 2024-03-17. Review status: criteria provided, single submitter. Criteria: ACMG Guidelines, 2015. Collection method: research. Allele origin: germline.

Genomic Medicine Center of Excellence, King Faisal Specialist Hospital and Research Centre
Classification: Likely pathogenic for Infantile nephronophthisis. Review status: flagged submission. Collection method: research. Allele origin: germline. Affected: yes. Not counted in ClinVar's aggregate classification.
ClinVar note: Reason: This record appears to be redundant with a more recent record from the same submitter.
ClinVar note: Notes: SCV001338735 appears to be redundant with SCV004804732.

NM_014425.5(INVS):c.875C>T (p.Pro292Leu)

Gene: INVS (inversin; plus strand). Cytogenetic location: 9q31.1.
Variant type: single nucleotide variant.
Coding change: c.875C>T on transcript NM_014425.5 (MANE Select); coding-DNA position 875, C replaced by T.
Protein change: p.Pro292Leu; replaces proline 292 with leucine.
Molecular consequence: missense variant. On other transcripts: 5 prime UTR variant (1), non-coding transcript variant (1).
Genome position (GRCh38, 1-based): chr9:100,242,648, C>T. VCF-style: chr9-100242648-C-T. GRCh37 (hg19) VCF-style: chr9-103004930-C-T.
Other names: c.587C>T, p.Pro196Leu (NM_001318381.2); c.-115C>T (NM_001318382.2); short protein forms P196L, P292L.
Identifiers: ClinVar variation 917944 (VCV000917944.3), dbSNP rs1831916010, ClinGen allele CA374362041.
Genomic context (GRCh38, chr9:100,242,648, plus strand): 5'-ATCTCCTTTTAGAAAGAAATAAGTCTGGAACTATCCCATCTGACAGCCAAGGAGCCACAC[C>T]TTTGCACTATGCTGCTCAGAGTAACTTTGCTGTAAGTAAAACAAGACAATGCTCTTTTTT-3'
Protein context (NP_055240.2, residues 282-302): TIPSDSQGAT[Pro292Leu]LHYAAQSNFA